The following is an entry in ClinVar:

ClinVar aggregate classification (germline): Conflicting classifications of pathogenicity. Review status: criteria provided, conflicting classifications (1 of 4 stars). 4 submissions from 4 submitters: Likely pathogenic (1); Uncertain significance (3). Last evaluated 2026-07-07.

Conditions:
Pheochromocytoma/paraganglioma syndrome 4. Also called: PARAGANGLIOMA, FAMILIAL MALIGNANT; PARAGANGLIOMAS, HEREDITARY EXTRAADRENAL; PHEOCHROMOCYTOMA, FAMILIAL EXTRAADRENAL; SDHB-Related Hereditary Paraganglioma-Pheochromocytoma Syndrome (Paragangliomas 4); Paragangliomas 4; CAROTID BODY TUMORS AND MULTIPLE EXTRAADRENAL PHEOCHROMOCYTOMAS. Identifiers: Orphanet 29072, MedGen C1861848, MONDO:0007273, OMIM 115310.
Gastrointestinal stromal tumor. Also called: Gastrointestinal stromal tumor, somatic; Gastrointestinal stroma tumor. Identifiers: Orphanet 44890, MedGen C0238198, MeSH D046152, MONDO:0011719, OMIM 606764, HP:0100723.
Pheochromocytoma. Also called: MAX-Related Hereditary Paraganglioma-Pheochromocytoma Syndrome. Identifiers: Orphanet 29072, MedGen C0031511, MONDO:0008233, OMIM 171300, HP:0002666.
Hereditary cancer-predisposing syndrome. Also called: Tumor predisposition; Hereditary Cancer Syndrome; Hereditary neoplastic syndrome; Neoplastic Syndromes, Hereditary. Identifiers: Orphanet 140162, MedGen C0027672, MeSH D009386, MONDO:0015356.

Submissions (4):

Ambry Genetics
Classification: Likely pathogenic for Hereditary cancer-predisposing syndrome. Last evaluated: 2026-07-07. Review status: criteria provided, single submitter. Criteria: Ambry Variant Classification Scheme 2023. Collection method: clinical testing. Allele origin: germline.
Comment: The p.D64G variant (also known as c.191A>G), located in coding exon 2 of the SDHB gene, results from an A to G substitution at nucleotide position 191. The aspartic acid at codon 64 is replaced by glycine, an amino acid with similar properties. This variant was reported in individual(s) with features consistent with SDHB-related hereditary pheochromocytoma-paraganglioma (Ambry internal data). This variant is considered to be rare based on population cohorts in the Genome Aggregation Database (gnomAD). This amino acid position is highly conserved in available vertebrate species. In addition, this alteration is predicted to be deleterious by in silico analysis. Based on the majority of available evidence to date, this variant is likely to be pathogenic.

GeneDx
Classification: Uncertain significance. Last evaluated: 2025-03-14. Review status: criteria provided, single submitter. Criteria: GeneDx Variant Classification Process June 2021. Collection method: clinical testing. Allele origin: germline. Affected: yes.
Comment: Not observed at significant frequency in large population cohorts (gnomAD); In silico analysis supports that this missense variant has a deleterious effect on protein structure/function; Has not been previously published as pathogenic or benign to our knowledge

Labcorp Genetics (formerly Invitae), Labcorp
Classification: Uncertain significance for Gastrointestinal stromal tumor; Pheochromocytoma/paraganglioma syndrome 4; Pheochromocytoma. Last evaluated: 2024-04-11. Review status: criteria provided, single submitter. Criteria: Invitae Variant Classification Sherloc (09022015). Collection method: clinical testing. Allele origin: germline.
Comment: This sequence change replaces aspartic acid, which is acidic and polar, with glycine, which is neutral and non-polar, at codon 64 of the SDHB protein (p.Asp64Gly). This variant is not present in population databases (gnomAD no frequency). This variant has not been reported in the literature in individuals affected with SDHB-related conditions. ClinVar contains an entry for this variant (Variation ID: 998297). Advanced modeling of protein sequence and biophysical properties (such as structural, functional, and spatial information, amino acid conservation, physicochemical variation, residue mobility, and thermodynamic stability) performed at Invitae indicates that this missense variant is expected to disrupt SDHB protein function with a positive predictive value of 80%. In summary, the available evidence is currently insufficient to determine the role of this variant in disease. Therefore, it has been classified as a Variant of Uncertain Significance.

Baylor Genetics
Classification: Uncertain significance for Pheochromocytoma/paraganglioma syndrome 4. Last evaluated: 2019-01-15. Review status: criteria provided, single submitter. Criteria: ACMG Guidelines, 2015. Collection method: clinical testing. Allele origin: maternal. Affected: yes. Study: CSER-TexasKidsCanSeq.
Comment: This variant was determined to be of uncertain significance according to ACMG Guidelines, 2015 [PMID:25741868].

NM_003000.3(SDHB):c.191A>G (p.Asp64Gly)

Gene: SDHB (succinate dehydrogenase complex iron sulfur subunit B; minus strand). Cytogenetic location: 1p36.13.
Variant type: single nucleotide variant.
Coding change: c.191A>G on transcript NM_003000.3 (MANE Select); coding-DNA position 191, A replaced by G.
Protein change: p.Asp64Gly; replaces aspartic acid 64 with glycine.
Molecular consequence: missense variant.
Genome position (GRCh38, 1-based): chr1:17,044,770, T>C on the plus strand (A>G on the coding strand, the complement: SDHB is on the minus strand). VCF-style: chr1-17044770-T-C. GRCh37 (hg19) VCF-style: chr1-17371265-T-C.
Other names: short protein forms D64G.
Identifiers: ClinVar variation 998297 (VCV000998297.11), dbSNP rs200131173, ClinGen allele CA338227714.